The following is an entry in ClinVar:

ClinVar aggregate classification (germline): Uncertain significance. Review status: criteria provided, multiple submitters, no conflicts (2 of 4 stars). 2 submissions from 2 submitters: Uncertain significance (2). Last evaluated 2023-02-14.

Conditions:
Primary ciliary dyskinesia. Also called: Ciliary dyskinesia. Identifiers: Orphanet 244, MedGen C0008780, MONDO:0016575, HP:0012265.

Allele frequency attached by ClinVar (database versions not stated): ExAC 0.00001; gnomAD exomes 0.00001; TOPMed 0.00004; gnomAD 0.00006.
gnomAD v4.1: 17 of 1,613,234 alleles (0.0011%); highest among the groups gnomAD compares: African/African-American, 0.021%; no homozygotes.

Submissions (2):

Ambry Genetics
Classification: Uncertain significance for Primary ciliary dyskinesia. Last evaluated: 2023-02-14. Review status: criteria provided, single submitter. Criteria: Ambry Variant Classification Scheme 2023. Collection method: clinical testing. Allele origin: germline.

Labcorp Genetics (formerly Invitae), Labcorp
Classification: Uncertain significance for Primary ciliary dyskinesia. Last evaluated: 2022-03-01. Review status: criteria provided, single submitter. Criteria: Invitae Variant Classification Sherloc (09022015). Collection method: clinical testing. Allele origin: germline.
Comment: This variant has not been reported in the literature in individuals affected with RSPH4A-related conditions. This sequence change replaces glutamine, which is neutral and polar, with glutamic acid, which is acidic and polar, at codon 272 of the RSPH4A protein (p.Gln272Glu). This variant is present in population databases (rs752249790, gnomAD 0.01%). Algorithms developed to predict the effect of missense changes on protein structure and function (SIFT, PolyPhen-2, Align-GVGD) all suggest that this variant is likely to be tolerated. In summary, the available evidence is currently insufficient to determine the role of this variant in disease. Therefore, it has been classified as a Variant of Uncertain Significance.

NM_001010892.3(RSPH4A):c.814C>G (p.Gln272Glu)

Gene: RSPH4A (radial spoke head component 4A; plus strand). Cytogenetic location: 6q22.1.
Variant type: single nucleotide variant.
Coding change: c.814C>G on transcript NM_001010892.3 (MANE Select); coding-DNA position 814, C replaced by G.
Protein change: p.Gln272Glu; replaces glutamine 272 with glutamic acid.
Molecular consequence: missense variant.
Genome position (GRCh38, 1-based): chr6:116,622,895, C>G. VCF-style: chr6-116622895-C-G. GRCh37 (hg19) VCF-style: chr6-116944058-C-G.
Other names: c.814C>G, p.Gln272Glu (NM_001161664.2); c.814C>G (NM_001010892.2); short protein forms Q272E.
Identifiers: ClinVar variation 2174129 (VCV002174129.6), dbSNP rs752249790, ClinGen allele CA3970841.